The following is an entry in ClinVar:

NM_005732.4(RAD50):c.3194A>G (p.Asp1065Gly)

Gene: RAD50 (RAD50 double strand break repair protein; plus strand). Cytogenetic location: 5q31.1.
Variant type: single nucleotide variant.
Coding change: c.3194A>G on transcript NM_005732.4 (MANE Select); coding-DNA position 3194, A replaced by G.
Protein change: p.Asp1065Gly; replaces aspartic acid 1065 with glycine.
Molecular consequence: missense variant.
Genome position (GRCh38, 1-based): chr5:132,618,099, A>G. VCF-style: chr5-132618099-A-G. GRCh37 (hg19) VCF-style: chr5-131953791-A-G.
Other names: short protein forms D1065G.
Identifiers: ClinVar variation 641639 (VCV000641639.10), dbSNP rs1581009380, ClinGen allele CA360964283.

ClinVar aggregate classification (germline): Uncertain significance. Review status: criteria provided, multiple submitters, no conflicts (2 of 4 stars). 2 submissions from 2 submitters: Uncertain significance (2). Last evaluated 2025-08-27.

Conditions:
Hereditary cancer-predisposing syndrome. Also called: Neoplastic Syndromes, Hereditary; Tumor predisposition; Hereditary neoplastic syndrome; Hereditary Cancer Syndrome. Identifiers: Orphanet 140162, MedGen C0027672, MeSH D009386, MONDO:0015356.

gnomAD v4.1: 1 of 1,613,620 alleles (0.000062%); highest among the groups gnomAD compares: Non-Finnish European, 0.000085%; no homozygotes.

Submissions (2):

Ambry Genetics
Classification: Uncertain significance for Hereditary cancer-predisposing syndrome. Last evaluated: 2025-08-27. Review status: criteria provided, single submitter. Criteria: Ambry Variant Classification Scheme 2023. Collection method: clinical testing. Allele origin: germline.

Labcorp Genetics (formerly Invitae), Labcorp
Classification: Uncertain significance for Hereditary cancer-predisposing syndrome. Last evaluated: 2023-02-04. Review status: criteria provided, single submitter. Criteria: Invitae Variant Classification Sherloc (09022015). Collection method: clinical testing. Allele origin: germline.
Comment: In summary, the available evidence is currently insufficient to determine the role of this variant in disease. Therefore, it has been classified as a Variant of Uncertain Significance. Advanced modeling of protein sequence and biophysical properties (such as structural, functional, and spatial information, amino acid conservation, physicochemical variation, residue mobility, and thermodynamic stability) performed at Invitae indicates that this missense variant is not expected to disrupt RAD50 protein function. ClinVar contains an entry for this variant (Variation ID: 641639). This variant has not been reported in the literature in individuals affected with RAD50-related conditions. This variant is not present in population databases (gnomAD no frequency). This sequence change replaces aspartic acid, which is acidic and polar, with glycine, which is neutral and non-polar, at codon 1065 of the RAD50 protein (p.Asp1065Gly).